The following is an entry in ClinVar:

NM_000051.4(ATM):c.7515+2C>T

Genes: ATM (ATM serine/threonine kinase; plus strand), C11orf65 (chromosome 11 open reading frame 65; minus strand). Cytogenetic location: 11q22.3.
Variant type: single nucleotide variant.
Coding change: c.7515+2C>T on transcript NM_000051.4 (MANE Select); the canonical splice donor site of the intron after coding-DNA position 7515, C replaced by T.
Molecular consequence: splice donor variant. On other transcripts: intron variant (2).
Genome position (GRCh38, 1-based): chr11:108,330,423, C>T. VCF-style: chr11-108330423-C-T. GRCh37 (hg19) VCF-style: chr11-108201150-C-T.
Other names: c.7515+2C>T (NM_001351834.2); c.641-21352G>A (NM_001330368.2); c.*38+4797G>A (NM_001351110.2).
Identifiers: ClinVar variation 3376715 (VCV003376715.1).

ClinVar aggregate classification (germline): Likely pathogenic (1 of 4 stars; one submission).

Conditions:
Familial cancer of breast. Also called: hereditary breast carcinoma; BREAST CANCER, FAMILIAL; Hereditary breast cancer. Identifiers: Orphanet 227535, MedGen C0346153, MONDO:0016419, OMIM 114480. Disease mechanism: loss of function.

gnomAD v4.1: 2 of 1,613,966 alleles (0.00012%); highest among the groups gnomAD compares: Non-Finnish European, 0.00017%; no homozygotes.

Submission:

Victorian Clinical Genetics Services, Murdoch Childrens Research Institute
Classification: Likely pathogenic for Familial cancer of breast. Last evaluated: 2023-07-17. Review status: criteria provided, single submitter. Criteria: ACMG Guidelines, 2015. Collection method: clinical testing. Allele origin: germline. Inheritance: Autosomal dominant inheritance.
Comment: Based on the classification scheme VCGS_Germline_v1.3.4, this variant is classified as Likely pathogenic. Following criteria are met: 0102 - Loss of function is a known mechanism of disease in this gene and is associated with ataxia-telangiectasia (AT; MIM#208900) and susceptibility to breat cancer (MIM#114480). (I) 0108 - This gene is associated with both recessive and dominant disease. Biallelic variants in this gene result in ataxia-telangiectasia; however, heterozygous carriers of specific pathogenic variants have an increased risk of breast cancer (PMID: 27595995). Germline variants in this gene may also contribute to increased risk of other cancers including gastric, colorectal, and pancreatic cancers, however the risk is not well-established at this stage (PMIDs: 22585167, 27978560, 26506520). (I) 0115 - Variants in this gene are known to have variable expressivity with regard to ataxia-telangiectasia. Variable age of onset and rate of disease progression have been reported for affected individuals within the same family (PMIDs: 20301790, 27884168). (I) 0211 - Canonical splice site variant without proven consequence on splicing (no functional evidence available). (SP) 0251 - This variant is heterozygous. (I) 0301 - Variant is absent from gnomAD (both v2 and v3). (SP) 0508 - In silico predictions for abnormal splicing are conflicting. (I) 0703 - Other canonical splice site variants comparable to the one identified in this case have moderate previous evidence for pathogenicity. (SP) 0807 - This variant has no previous evidence of pathogenicity. (I) 0905 - No published segregation evidence has been identified for this variant. (I) 1007 - No published functional evidence has been identified for this variant. (I) 1208 - Inheritance information for this variant is not currently available in this individual. (I) Legend: (SP) - Supporting pathogenic, (I) - Information, (SB) - Supporting benign

Literature cited by the submitters: PubMed 20301790; PubMed 21665257; PubMed 22585167; PubMed 26506520; PubMed 27595995; PubMed 27884168; PubMed 27978560.